The following is an entry in ClinVar:

ClinVar aggregate classification (germline): Uncertain significance. Review status: criteria provided, single submitter (1 of 4 stars). 3 submissions from 3 submitters: Uncertain significance (1). 2 of the submissions do not count toward it. Last evaluated 2025-12-08.

Conditions:
Arrhythmogenic right ventricular dysplasia 13. Also called: Arrhythmogenic right ventricular dysplasia, familial, 13; ARRHYTHMOGENIC RIGHT VENTRICULAR CARDIOMYOPATHY 13. Identifiers: MedGen C3810138, MONDO:0000908, OMIM 615616.

Allele frequency attached by ClinVar (database versions not stated): gnomAD exomes 0.00003; ExAC 0.00005; gnomAD 0.00012; TOPMed 0.00019; ESP Exome Variant Server 0.00023; 1000 Genomes Project 30x 0.00031; 1000 Genomes Project 0.00040.
gnomAD v4.1: 40 of 1,612,760 alleles (0.0025%); highest among the groups gnomAD compares: African/African-American, 0.043%; no homozygotes.

Submissions (3):

Labcorp Genetics (formerly Invitae), Labcorp
Classification: Uncertain significance for Arrhythmogenic right ventricular dysplasia 13. Last evaluated: 2025-12-08. Review status: criteria provided, single submitter. Criteria: Invitae Variant Classification Sherloc (09022015). Collection method: clinical testing. Allele origin: germline.
Comment: This sequence change replaces aspartic acid, which is acidic and polar, with asparagine, which is neutral and polar, at codon 278 of the CTNNA3 protein (p.Asp278Asn). This variant is present in population databases (rs143693772, gnomAD 0.05%), and has an allele count higher than expected for a pathogenic variant. This variant has not been reported in the literature in individuals affected with CTNNA3-related conditions. ClinVar contains an entry for this variant (Variation ID: 857097). Invitae Evidence Modeling of protein sequence and biophysical properties (such as structural, functional, and spatial information, amino acid conservation, physicochemical variation, residue mobility, and thermodynamic stability) indicates that this missense variant is not expected to disrupt CTNNA3 protein function with a negative predictive value of 80%. In summary, the available evidence is currently insufficient to determine the role of this variant in disease. Therefore, it has been classified as a Variant of Uncertain Significance.

Clinical Genetics, Academic Medical Center
Classification: Uncertain significance. Review status: no assertion criteria provided. Collection method: clinical testing. Allele origin: germline. Affected: yes. Study: VKGL Data-share Consensus. Not counted in ClinVar's aggregate classification.

Genome Diagnostics Laboratory, University Medical Center Utrecht
Classification: Uncertain significance. Review status: no assertion criteria provided. Collection method: clinical testing. Allele origin: germline. Affected: yes. Study: VKGL Data-share Consensus. Not counted in ClinVar's aggregate classification.

NM_013266.4(CTNNA3):c.832G>A (p.Asp278Asn)

Gene: CTNNA3 (catenin alpha 3; minus strand). Cytogenetic location: 10q21.3.
Variant type: single nucleotide variant.
Coding change: c.832G>A on transcript NM_013266.4 (MANE Select); coding-DNA position 832, G replaced by A.
Protein change: p.Asp278Asn; replaces aspartic acid 278 with asparagine.
Molecular consequence: missense variant.
Genome position (GRCh38, 1-based): chr10:67,219,618, C>T on the plus strand (G>A on the coding strand, the complement: CTNNA3 is on the minus strand). VCF-style: chr10-67219618-C-T. GRCh37 (hg19) VCF-style: chr10-68979376-C-T.
Other names: c.832G>A, p.Asp278Asn (NM_001127384.3); c.868G>A, p.Asp290Asn (NM_001291133.2); short protein forms D278N, D290N.
Identifiers: ClinVar variation 857097 (VCV000857097.10), dbSNP rs143693772, ClinGen allele CA5520492.
Genomic context (GRCh38, chr10:67,219,618, plus strand): 5'-ATTACTGTATTAGGACATCAGATCACACTTTATCTTTCTCCCGACTTACCTCCAGCTCAT[C>T]AAGGGCACTTCCCAGGGTTGCTGCCTGAGGTTCTGGTGGGGTTGTCATATTCTGGATCCC-3'
Protein context (NP_037398.2, residues 268-288): PQAATLGSAL[Asp278Asn]ELENLIVLNP